The following is an entry in ClinVar:

NM_000093.5(COL5A1):c.5300T>C (p.Leu1767Pro)

Genes: COL5A1 (collagen type V alpha 1 chain; plus strand), LOC101448202 (uncharacterized LOC101448202; minus strand). Cytogenetic location: 9q34.3.
Variant type: single nucleotide variant.
Coding change: c.5300T>C on transcript NM_000093.5 (MANE Select); coding-DNA position 5300, T replaced by C.
Protein change: p.Leu1767Pro; replaces leucine 1767 with proline.
Molecular consequence: missense variant.
Genome position (GRCh38, 1-based): chr9:134,835,134, T>C. VCF-style: chr9-134835134-T-C. GRCh37 (hg19) VCF-style: chr9-137726980-T-C.
Other names: c.5300T>C, p.Leu1767Pro (NM_001278074.1); short protein forms L1767P.
Identifiers: ClinVar variation 4869253 (VCV004869253.1).

ClinVar aggregate classification (germline): Likely pathogenic (1 of 4 stars; one submission).

Conditions:
Familial thoracic aortic aneurysm and aortic dissection (TAAD). Also called: Thoracic aortic aneurysms and dissections. Identifiers: Orphanet 91387, MedGen C4707243, MONDO:0019625.

Submission:

Ambry Genetics
Classification: Likely pathogenic for Familial thoracic aortic aneurysm and aortic dissection. Last evaluated: 2026-03-16. Review status: criteria provided, single submitter. Criteria: Ambry Variant Classification Scheme 2023. Collection method: clinical testing. Allele origin: germline.
Comment: The c.5300T>C (p.L1767P) alteration is located in exon 65 (coding exon 65) of the COL5A1 gene. This alteration results from a T to C substitution at nucleotide position 5300, causing the leucine (L) at amino acid position 1767 to be replaced by a proline (P). This variant was not reported in population-based cohorts in the Genome Aggregation Database (gnomAD). This amino acid position is highly conserved in available vertebrate species. This alteration is predicted to be deleterious by in silico analysis. Based on the available evidence, this alteration is classified as likely pathogenic.